The following is an entry in ClinVar:

NM_022369.4(STRA6):c.431-2A>G

Gene: STRA6 (signaling receptor and transporter of retinol STRA6; minus strand). Cytogenetic location: 15q24.1.
Variant type: single nucleotide variant.
Coding change: c.431-2A>G on transcript NM_022369.4 (MANE Select); the canonical splice acceptor site of the intron before coding-DNA position 431, A replaced by G.
Molecular consequence: splice acceptor variant. On other transcripts: 3 prime UTR variant (1).
Genome position (GRCh38, 1-based): chr15:74,195,470, T>C on the plus strand (A>G on the coding strand, the complement: STRA6 is on the minus strand). VCF-style: chr15-74195470-T-C. GRCh37 (hg19) VCF-style: chr15-74487811-T-C.
Other names: c.404-2A>G (NM_001142619.2); c.431-2A>G (NM_001142617.2, NM_001142618.2); c.476-2A>G (NM_001199041.2); c.548-2A>G (NM_001199042.2); c.*132A>G (NM_001142620.2); c.542-2A>G (NM_001199040.2).
Identifiers: ClinVar variation 956260 (VCV000956260.8), dbSNP rs759933321, ClinGen allele CA7654974.

ClinVar aggregate classification (germline): Likely pathogenic (1 of 4 stars; one submission).

Conditions:
Microphthalmia, syndromic 9. Also called: PULMONARY AGENESIS, MICROPHTHALMIA, AND DIAPHRAGMATIC DEFECT; SPEAR SYNDROME; Matthew-Wood syndrome; ANOPHTHALMIA, CLINICAL, WITH MILD FACIAL DYSMORPHISM AND VARIABLE MALFORMATIONS OF THE LUNG, HEART, AND DIAPHRAGM; ANOPHTHALMIA/MICROPHTHALMIA AND PULMONARY HYPOPLASIA. Identifiers: Orphanet 2470, MedGen C1832661, MONDO:0011010, OMIM 601186.

Allele frequency attached by ClinVar (database versions not stated): gnomAD exomes below 0.00001; TOPMed below 0.00001; ExAC 0.00001.
gnomAD v4.1: 1 of 1,612,634 alleles (0.000062%); highest among the groups gnomAD compares: East Asian, 0.0022%; no homozygotes.

Submission:

Labcorp Genetics (formerly Invitae), Labcorp
Classification: Likely pathogenic for Microphthalmia, syndromic 9. Last evaluated: 2019-08-30. Review status: criteria provided, single submitter. Criteria: Invitae Variant Classification Sherloc (09022015). Collection method: clinical testing. Allele origin: germline.
Comment: This variant is present in population databases (rs759933321, ExAC 0.01%). In summary, the currently available evidence indicates that the variant is pathogenic, but additional data are needed to prove that conclusively. Therefore, this variant has been classified as Likely Pathogenic. Donor and acceptor splice site variants typically lead to a loss of protein function (PMID: 16199547), and loss-of-function variants in STRA6 are known to be pathogenic (PMID: 17273977, 19309693). Algorithms developed to predict the effect of sequence changes on RNA splicing suggest that this variant may disrupt the consensus splice site, but this prediction has not been confirmed by published transcriptional studies. This variant has not been reported in the literature in individuals with STRA6-related conditions. This sequence change affects an acceptor splice site in intron 6 of the STRA6 gene. It is expected to disrupt RNA splicing and likely results in an absent or disrupted protein product.

Literature cited by the submitters: PubMed 16199547; PubMed 17273977; PubMed 19309693.